The following is an entry in ClinVar:

ClinVar aggregate classification (germline): Likely pathogenic. Review status: criteria provided, single submitter (1 of 4 stars). 2 submissions from 2 submitters: Likely pathogenic (1). 1 of the submissions does not count toward it. Last evaluated 2023-08-01.

Conditions:
Cardiovascular phenotype. Identifiers: MedGen CN230736.
Primary dilated cardiomyopathy (DCM). Also called: Dilated Cardiomyopathy. Identifiers: Orphanet 217604, MedGen C0007193, MeSH D002311, MONDO:0005021, HP:0001644. Inheritance: Various modes of inheritance.

Submissions (2):

Ambry Genetics
Classification: Likely pathogenic for Cardiovascular phenotype. Last evaluated: 2023-08-01. Review status: criteria provided, single submitter. Criteria: Ambry Variant Classification Scheme 2023. Collection method: clinical testing. Allele origin: germline.
Comment: The c.23934dupA variant, located in coding exon 97 of the TTN gene, results from a duplication of A at nucleotide position 23934, causing a translational frameshift with a predicted alternate stop codon (p.V7979Sfs*12). This exon is located in the A-band region of the N2-B isoform of the titin protein and is constitutively expressed in TTN transcripts (percent spliced in or PSI 100%). This variant is considered to be rare based on population cohorts in the Genome Aggregation Database (gnomAD). This alteration is expected to result in loss of function by premature protein truncation or nonsense-mediated mRNA decay. While truncating variants in TTN are present in 1-3% of the general population, truncating variants in the A-band are the most common cause of dilated cardiomyopathy (DCM) (Herman DS et al. N. Engl. J. Med., 2012 Feb;366:619-28; Roberts AM et al. Sci Transl Med, 2015 Jan;7:270ra6). TTN truncating variants encoded in constitutive exons (PSI >90%) have been found to be significantly associated with DCM regardless of their position in titin (Schafer S et al. Nat. Genet., 2017 01;49:46-53). Based on the majority of available evidence to date, this variant is likely to be pathogenic.

Research Unit of Cardiovascular and Metabolic Disease, Inserm
Classification: Likely pathogenic for Dilated CardioMyopathy. Last evaluated: 2022-07-21. Review status: no assertion criteria provided. Collection method: research. Allele origin: germline. Affected: yes. Observed: 1 variant allele. Not counted in ClinVar's aggregate classification.

NM_001267550.2(TTN):c.51129dup (p.Val17044fs)

Genes: TTN (titin; minus strand), TTN-AS1 (TTN antisense RNA 1; plus strand). Cytogenetic location: 2q31.2.
Variant type: Duplication.
Coding change: c.51129dup on transcript NM_001267550.2 (MANE Select); coding-DNA position 51129, one base duplicated (A; older notation c.51129dupA).
Protein change: p.Val17044fs; shifts the reading frame from valine 17044.
Molecular consequence: frameshift variant.
Genome position (GRCh38, 1-based): chr2:178,611,000, T duplicated on the plus strand (A on the coding strand, the reverse complement: TTN is on the minus strand); the first of 3 consecutive T bases (chr2:178,611,000-178,611,002); duplicating any one gives the same sequence. VCF-style (leftmost placement, unchanged base first): chr2-178610999-C-CT. GRCh37 (hg19) VCF-style: chr2-179475726-C-CT.
Other names: NP_001254479.2:p.(Val17044SerfsTer12); c.46206dup, p.Val15403fs (NM_001256850.1); c.23934dup, p.Val7979fs (NM_003319.4); c.43425dup, p.Val14476fs (NM_133378.4); c.24309dup, p.Val8104fs (NM_133432.3); c.24510dup, p.Val8171fs (NM_133437.4); c.23934dupA (NM_003319.4); short protein forms V14476fs, V15403fs, V17044fs, V7979fs, V8104fs, V8171fs.
Identifiers: ClinVar variation 2505140 (VCV002505140.3), dbSNP rs2470469852, ClinGen allele CA2580614523.